The following is an entry in ClinVar:

NM_004006.3(DMD):c.4684del (p.Arg1562fs)

Gene: DMD (dystrophin; minus strand). Cytogenetic location: Xp21.1.
Variant type: Deletion.
Coding change: c.4684del on transcript NM_004006.3 (MANE Select); coding-DNA position 4684, one base deleted (A; older notation c.4684delA).
Protein change: p.Arg1562fs; shifts the reading frame from arginine 1562.
Molecular consequence: frameshift variant.
Genome position (GRCh38, 1-based): chrX:32,380,671, T deleted on the plus strand (A on the coding strand, the reverse complement: DMD is on the minus strand); the first of 3 consecutive T bases (chrX:32,380,671-32,380,673); deleting any one gives the same sequence. VCF-style (leftmost placement, unchanged base first): chrX-32380670-CT-C. GRCh37 (hg19) VCF-style: chrX-32398787-CT-C.
Other names: c.4660del, p.Arg1554fs (NM_000109.4); c.4672del, p.Arg1558fs (NM_004009.3); c.4315del, p.Arg1439fs (NM_004010.3); c.661del, p.Arg221fs (NM_004011.4); c.652del, p.Arg218fs (NM_004012.4); short protein forms R1439fs, R1554fs, R1558fs, R1562fs, R218fs, R221fs.
Identifiers: ClinVar variation 1285470 (VCV001285470.1), dbSNP rs2147473202, ClinGen allele CA2499226645.
Genomic context (GRCh38, chrX:32,380,670, plus strand): 5'-ACATTCATTTCCTTTCGCATCTTACGGGACAATTTCAAGCATTTCTCCAACTGTTGCTTT[CT>C]TTCTGTTACCTGAAAAGAATTATAATGAAATGTAATTTAGTTTACTCTTTAATTCAAATT-3'

ClinVar aggregate classification (germline): Pathogenic/Likely pathogenic. Review status: criteria provided, multiple submitters, no conflicts (2 of 4 stars). 2 submissions from 2 submitters: Pathogenic (1); Likely pathogenic (1). Last evaluated 2020-12-01.

Conditions:
Dilated cardiomyopathy 3B (CMD3B). Also called: CMD3B: DMD-Related Dilated Cardiomyopathy; CARDIOMYOPATHY, DILATED, X-LINKED; DMD-Associated Dilated Cardiomyopathy. Identifiers: Orphanet 154, MedGen C3668940, MONDO:0010542, OMIM 302045.
Duchenne muscular dystrophy (DMD). Also called: MUSCULAR DYSTROPHY, PSEUDOHYPERTROPHIC PROGRESSIVE, DUCHENNE TYPE; Duchenne Muscular Dystrophy (DMD). Identifiers: Orphanet 98896, MedGen C0013264, MONDO:0010679, OMIM 310200.

Submissions (2):

Institute of Human Genetics, University of Leipzig Medical Center
Classification: Pathogenic for Dilated cardiomyopathy 3B. Last evaluated: 2020-12-01. Review status: criteria provided, single submitter. Criteria: ACMG Guidelines, 2015. Collection method: clinical testing. Allele origin: unknown. Affected: yes.
Comment: This variant was identified as hemizygous.

Neuberg Centre For Genomic Medicine, NCGM
Classification: Likely pathogenic for Duchenne muscular dystrophy. Review status: criteria provided, single submitter. Criteria: ACMG Guidelines, 2015. Collection method: clinical testing. Allele origin: germline. Inheritance: X-linked inheritance. Affected: yes.
Comment: The frameshift DMD c.4684del (p.Arg1562GlufsTer9) variant has not been reported previously as a pathogenic variant nor as a benign variant, to our knowledge. The p.Arg1562GlufsTer9 variant is novel (not in any individuals) in gnomAD Exomes and is novel (not in any individuals) in 1000 Genomes. This variant has been submitted in ClinVar as Pathogenic, but no details are available for independent assessment. This variant is predicted to cause loss of normal protein function through protein truncation. Loss of function variants have been previously reported to be disease causing. For these reasons, this variant has been classified as Likely Pathogenic.